The following is an entry in ClinVar:

NM_032119.4(ADGRV1):c.12631C>T (p.Arg4211Ter)

Gene: ADGRV1 (adhesion G protein-coupled receptor V1; plus strand). Cytogenetic location: 5q14.3.
Variant type: single nucleotide variant.
Coding change: c.12631C>T on transcript NM_032119.4 (MANE Select); coding-DNA position 12631, C replaced by T.
Protein change: p.Arg4211Ter; replaces arginine 4211 with a stop codon.
Molecular consequence: nonsense. On other transcripts: non-coding transcript variant (1).
Genome position (GRCh38, 1-based): chr5:90,778,008, C>T. VCF-style: chr5-90778008-C-T. GRCh37 (hg19) VCF-style: chr5-90073825-C-T.
Other names: short protein forms R4211*.
Identifiers: ClinVar variation 179305 (VCV000179305.13), dbSNP rs727504777, ClinGen allele CA273611.

ClinVar aggregate classification (germline): Pathogenic/Likely pathogenic. Review status: criteria provided, multiple submitters, no conflicts (2 of 4 stars). 6 submissions from 6 submitters: Pathogenic (5); Likely pathogenic (1). Last evaluated 2026-07-02.

Conditions:
ADGRV1-related disorder. Also called: ADGRV1-related condition; ADGRV1-related disorders.
Rare genetic deafness. Identifiers: Orphanet 96210, MedGen C5680250.
Usher syndrome type 2C. Also called: Usher syndrome, type 2B; USHER SYNDROME, TYPE IIC. Identifiers: Orphanet 231178, Orphanet 886, MedGen C2931213, MONDO:0011558, OMIM 605472.
Febrile seizures, familial, 4 (FEB4). Also called: CONVULSIONS, FAMILIAL FEBRILE, 4. Identifiers: MedGen C1858493, MONDO:0011443, OMIM 604352.

Allele frequency attached by ClinVar (database versions not stated): gnomAD exomes 0.00001; ExAC below 0.00001; TOPMed below 0.00001.
gnomAD v4.1: 8 of 1,591,342 alleles (0.0005%); highest among the groups gnomAD compares: East Asian, 0.0023%; no homozygotes.

Submissions (6):

PreventionGenetics, part of Exact Sciences
Classification: Pathogenic for ADGRV1-related condition. Last evaluated: 2026-07-02. Review status: criteria provided, single submitter. Criteria: ACMG Guidelines, 2015. Collection method: clinical testing. Allele origin: germline.
Comment: The ADGRV1 c.12631C>T variant is predicted to result in premature protein termination (p.Arg4211*). This variant was reported, along with a second potentially causative variant in the same gene, in an individual with deafness (Li et al. 2021. PubMed ID: 33724713). This variant is reported in 0.0019% of alleles in individuals of European (Non-Finnish) descent in gnomAD. Nonsense variants in ADGRV1 are expected to be pathogenic. This variant is interpreted as pathogenic.

3billion
Classification: Pathogenic for Usher syndrome type 2C. Last evaluated: 2025-03-13. Review status: criteria provided, single submitter. Criteria: ACMG Guidelines, 2015. Collection method: clinical testing. Allele origin: germline. Affected: yes.
Comment: The variant is observed at an extremely low frequency in the gnomAD v4.1.0 dataset (total allele frequency: <0.001%). Predicted Consequence/Location: Stop-gained (nonsense): predicted to result in a loss or disruption of normal protein function through nonsense-mediated decay (NMD) or protein truncation. Multiple pathogenic variants are reported downstream of the variant. The variant was homozygous. Therefore, this variant is classified as Pathogenic according to the recommendation of ACMG/AMP guideline.

Fulgent Genetics
Classification: Pathogenic for Febrile seizures, familial, 4; Usher syndrome type 2C. Last evaluated: 2024-04-30. Review status: criteria provided, single submitter. Criteria: ACMG Guidelines, 2015. Collection method: clinical testing. Allele origin: germline.

Labcorp Genetics (formerly Invitae), Labcorp
Classification: Pathogenic. Last evaluated: 2023-12-17. Review status: criteria provided, single submitter. Criteria: Invitae Variant Classification Sherloc (09022015). Collection method: clinical testing. Allele origin: germline.
Comment: This sequence change creates a premature translational stop signal (p.Arg4211*) in the ADGRV1 gene. It is expected to result in an absent or disrupted protein product. Loss-of-function variants in ADGRV1 are known to be pathogenic (PMID: 19357117, 22135276, 22147658, 26226137, 30718709, 31047384, 32467589). This variant is present in population databases (rs727504777, gnomAD 0.004%). This premature translational stop signal has been observed in individual(s) with deafness (PMID: 33724713). ClinVar contains an entry for this variant (Variation ID: 179305). Algorithms developed to predict the effect of sequence changes on RNA splicing suggest that this variant may disrupt the consensus splice site. For these reasons, this variant has been classified as Pathogenic.

Blueprint Genetics
Classification: Likely pathogenic for ADGRV1-related disorders. Last evaluated: 2023-04-25. Review status: criteria provided, single submitter. Criteria: ACMG Guidelines, 2015. Collection method: clinical testing. Allele origin: germline. Affected: yes. Observed: 2 variant alleles.

Laboratory for Molecular Medicine, Mass General Brigham Personalized Medicine
Classification: Pathogenic for Rare genetic deafness. Last evaluated: 2013-10-11. Review status: criteria provided, single submitter. Criteria: LMM Criteria. Collection method: clinical testing. Allele origin: germline. Inheritance: Autosomal recessive inheritance. Observed: 2 variant alleles.
Comment: The Arg4211X variant in GPR98 has not been reported in individuals with hearing loss or in large population studies. This nonsense variant leads to a premature termination codon at position 4211, which is predicted to lead to a truncated or absent protein. In summary, this variant meets our criteria to be classified as pathogenic.

Literature cited by the submitters: PubMed 33724713 (cited by 3billion and Labcorp Genetics (formerly Invitae), Labcorp); PubMed 19357117 (cited by Labcorp Genetics (formerly Invitae), Labcorp); PubMed 22135276 (cited by Labcorp Genetics (formerly Invitae), Labcorp); PubMed 22147658 (cited by Labcorp Genetics (formerly Invitae), Labcorp); PubMed 26226137 (cited by Labcorp Genetics (formerly Invitae), Labcorp); PubMed 30718709 (cited by Labcorp Genetics (formerly Invitae), Labcorp); PubMed 31047384 (cited by Labcorp Genetics (formerly Invitae), Labcorp); PubMed 32467589 (cited by Labcorp Genetics (formerly Invitae), Labcorp).